The following is an entry in ClinVar:

NM_001020658.2(PUM1):c.3291T>C (p.Ala1097=)

Gene: PUM1 (pumilio RNA binding family member 1; minus strand). Cytogenetic location: 1p35.2.
Variant type: single nucleotide variant.
Coding change: c.3291T>C on transcript NM_001020658.2 (MANE Select); coding-DNA position 3291, T replaced by C.
Protein change: p.Ala1097=; no amino-acid change (alanine 1097 retained).
Molecular consequence: synonymous variant.
Genome position (GRCh38, 1-based): chr1:30,936,787, A>G on the plus strand (T>C on the coding strand, the complement: PUM1 is on the minus strand). VCF-style: chr1-30936787-A-G. GRCh37 (hg19) VCF-style: chr1-31409634-A-G.
Other names: c.3285T>C, p.Ala1095= (NM_014676.3); c.3291T>C (NM_001020658.1).
Identifiers: ClinVar variation 2638593 (VCV002638593.25), dbSNP rs56143291, ClinGen allele CA728728.

ClinVar aggregate classification (germline): Likely benign. Review status: criteria provided, single submitter (1 of 4 stars). 2 submissions from 2 submitters: Likely benign (1). 1 of the submissions does not count toward it. Last evaluated 2026-06-01.

Conditions:
PUM1-related disorder. Also called: PUM1-related disorders; PUM1-related condition.

Allele frequency attached by ClinVar (database versions not stated): 1000 Genomes Project 0.00060; 1000 Genomes Project 30x 0.00062; TOPMed 0.00189; gnomAD 0.00194; ExAC 0.00233; ESP Exome Variant Server 0.00254; gnomAD exomes 0.00306.
gnomAD v4.1: 4,765 of 1,613,962 alleles (0.3%); highest among the groups gnomAD compares: Middle Eastern, 0.51%; 12 homozygotes.

Submissions (2):

CeGaT Center for Human Genetics Tuebingen
Classification: Likely benign. Last evaluated: 2026-06-01. Review status: criteria provided, single submitter. Criteria: CeGaT Center For Human Genetics Tuebingen Variant Classification Criteria Version 2. Collection method: clinical testing. Allele origin: germline. Affected: yes. Observed: 10 variant alleles.
Comment: PUM1: BP4, BP7, BS1

PreventionGenetics, part of Exact Sciences
Classification: Likely benign for PUM1-related condition. Last evaluated: 2019-02-19. Review status: no assertion criteria provided. Collection method: clinical testing. Allele origin: germline. Not counted in ClinVar's aggregate classification.
Comment: This variant is classified as likely benign based on ACMG/AMP sequence variant interpretation guidelines (Richards et al. 2015 PMID: 25741868, with internal and published modifications).